The following is an entry in ClinVar:

NM_032638.5(GATA2):c.1148A>G (p.Asn383Ser)

Gene: GATA2 (GATA binding protein 2; minus strand). Cytogenetic location: 3q21.3.
Variant type: single nucleotide variant.
Coding change: c.1148A>G on transcript NM_032638.5 (MANE Select); coding-DNA position 1148, A replaced by G.
Protein change: p.Asn383Ser; replaces asparagine 383 with serine.
Molecular consequence: missense variant.
Genome position (GRCh38, 1-based): chr3:128,481,314, T>C on the plus strand (A>G on the coding strand, the complement: GATA2 is on the minus strand). VCF-style: chr3-128481314-T-C. GRCh37 (hg19) VCF-style: chr3-128200157-T-C.
Other names: c.1148A>G, p.Asn383Ser (NM_001145661.2); c.1106A>G, p.Asn369Ser (NM_001145662.1); short protein forms N383S, N369S.
Identifiers: ClinVar variation 944216 (VCV000944216.12), dbSNP rs2068625752, ClinGen allele CA354413399.

ClinVar aggregate classification (germline): Uncertain significance. Review status: criteria provided, multiple submitters, no conflicts (2 of 4 stars). 4 submissions from 4 submitters: Uncertain significance (4). Last evaluated 2024-12-17.

Conditions:
Inborn genetic diseases. Identifiers: MedGen C0950123, MeSH D030342.
Acute myeloid leukemia (AML). Also called: Acute myeloid leukemia, adult; AML adult; Acute non-lymphocytic leukemia; Acute granulocytic leukemia; Leukemia, acute myelogenous, somatic; Leukemia, acute myeloid, somatic. Identifiers: Orphanet 519, MedGen C0023467, MeSH D015470, MONDO:0018874, OMIM 601626, HP:0004808. Disease mechanism: Constitutively activated FLT3.
Deafness-lymphedema-leukemia syndrome. Also called: Lymphedema, primary, with myelodysplasia; Emberger syndrome. Identifiers: Orphanet 3226, MedGen C3279664, MONDO:0013540, OMIM 614038.
Monocytopenia with susceptibility to infections. Also called: Dendritic cell, monocyte, B lymphocyte, and natural killer lymphocyte deficiency; MONOCYTOPENIA AND MYCOBACTERIAL INFECTION SYNDROME; MONOCYTOPENIA WITH SUSCEPTIBILITY TO MYCOBACTERIAL, FUNGAL, AND PAPILLOMAVIRUS INFECTIONS AND MYELODYSPLASIA; COMBINED IMMUNODEFICIENCY WITH SUSCEPTIBILITY TO MYCOBACTERIAL, VIRAL, AND FUNGAL INFECTIONS; GATA2 DEFICIENCY; IMMUNODEFICIENCY 21. Identifiers: Orphanet 228423, MedGen C3280030, MONDO:0013607, OMIM 614172.

Allele frequency attached by ClinVar (database versions not stated): TOPMed below 0.00001; gnomAD exomes 0.00001.

Submissions (4):

Ambry Genetics
Classification: Uncertain significance for Inborn genetic diseases. Last evaluated: 2024-12-17. Review status: criteria provided, single submitter. Criteria: Ambry Variant Classification Scheme 2023. Collection method: clinical testing. Allele origin: germline.
Comment: The p.N383S variant (also known as c.1148A>G), located in coding exon 5 of the GATA2 gene, results from an A to G substitution at nucleotide position 1148. The asparagine at codon 383 is replaced by serine, an amino acid with highly similar properties. This amino acid position is conserved. In addition, the in silico prediction for this alteration is inconclusive. Based on the available evidence, the clinical significance of this variant remains unclear.

GeneDx
Classification: Uncertain significance. Last evaluated: 2023-07-10. Review status: criteria provided, single submitter. Criteria: GeneDx Variant Classification Process June 2021. Collection method: clinical testing. Allele origin: germline. Affected: yes.
Comment: Not observed at significant frequency in large population cohorts (gnomAD); In silico analysis supports that this missense variant has a deleterious effect on protein structure/function; In silico analysis suggests this variant may impact gene splicing. In the absence of RNA/functional studies, the actual effect of this sequence change is unknown.; Has not been previously published as pathogenic or benign to our knowledge

Baylor Genetics
Classification: Uncertain significance for Acute myeloid leukemia. Last evaluated: 2023-04-22. Review status: criteria provided, single submitter. Criteria: ACMG Guidelines, 2015. Collection method: clinical testing. Allele origin: unknown.

Labcorp Genetics (formerly Invitae), Labcorp
Classification: Uncertain significance for Monocytopenia with susceptibility to infections; Deafness-lymphedema-leukemia syndrome. Last evaluated: 2023-02-14. Review status: criteria provided, single submitter. Criteria: Invitae Variant Classification Sherloc (09022015). Collection method: clinical testing. Allele origin: germline.
Comment: This variant is not present in population databases (gnomAD no frequency). This sequence change replaces asparagine, which is neutral and polar, with serine, which is neutral and polar, at codon 383 of the GATA2 protein (p.Asn383Ser). This variant has not been reported in the literature in individuals affected with GATA2-related conditions. ClinVar contains an entry for this variant (Variation ID: 944216). Advanced modeling of protein sequence and biophysical properties (such as structural, functional, and spatial information, amino acid conservation, physicochemical variation, residue mobility, and thermodynamic stability) has been performed at Invitae for this missense variant, however the output from this modeling did not meet the statistical confidence thresholds required to predict the impact of this variant on GATA2 protein function. Algorithms developed to predict the effect of sequence changes on RNA splicing suggest that this variant may create or strengthen a splice site. In summary, the available evidence is currently insufficient to determine the role of this variant in disease. Therefore, it has been classified as a Variant of Uncertain Significance.